The following is an entry in ClinVar:

ClinVar aggregate classification (germline): Uncertain significance. Review status: criteria provided, multiple submitters, no conflicts (2 of 4 stars). 2 submissions from 2 submitters: Uncertain significance (2). Last evaluated 2026-01-11.

Conditions:
Tuberous sclerosis 2 (TSC2). Identifiers: Orphanet 805, MedGen C1860707, MONDO:0013199, OMIM 613254.

Submissions (2):

Labcorp Genetics (formerly Invitae), Labcorp
Classification: Uncertain significance for Tuberous sclerosis 2. Last evaluated: 2026-01-11. Review status: criteria provided, single submitter. Criteria: Invitae Variant Classification Sherloc (09022015). Collection method: clinical testing. Allele origin: germline.
Comment: This sequence change replaces aspartic acid, which is acidic and polar, with tyrosine, which is neutral and polar, at codon 931 of the TSC2 protein (p.Asp931Tyr). This variant is not present in population databases (gnomAD no frequency). This variant has not been reported in the literature in individuals affected with TSC2-related conditions. Invitae Evidence Modeling of protein sequence and biophysical properties (such as structural, functional, and spatial information, amino acid conservation, physicochemical variation, residue mobility, and thermodynamic stability) indicates that this missense variant is not expected to disrupt TSC2 protein function with a negative predictive value of 95%. In summary, the available evidence is currently insufficient to determine the role of this variant in disease. Therefore, it has been classified as a Variant of Uncertain Significance.

Blueprint Genetics
Classification: Uncertain significance. Last evaluated: 2022-11-15. Review status: criteria provided, single submitter. Criteria: ACMG Guidelines, 2015. Collection method: clinical testing. Allele origin: germline.

NM_000548.5(TSC2):c.2791G>T (p.Asp931Tyr)

Gene: TSC2 (TSC complex subunit 2; plus strand). Cytogenetic location: 16p13.3.
Variant type: single nucleotide variant.
Coding change: c.2791G>T on transcript NM_000548.5 (MANE Select); coding-DNA position 2791, G replaced by T.
Protein change: p.Asp931Tyr; replaces aspartic acid 931 with tyrosine.
Molecular consequence: missense variant. On other transcripts: non-coding transcript variant (5).
Genome position (GRCh38, 1-based): chr16:2,076,539, G>T. VCF-style: chr16-2076539-G-T. GRCh37 (hg19) VCF-style: chr16-2126540-G-T.
Other names: c.2791G>T, p.Asp931Tyr (NM_001077183.3, NM_001114382.3, NM_001363528.2 and 6 more transcripts); c.2680G>T, p.Asp894Tyr (NM_001318827.2, NM_001406670.1, NM_001406678.1); c.2644G>T, p.Asp882Tyr (NM_001318829.2, NM_001406675.1, NM_001406676.1 and 1 more transcripts); c.2191G>T, p.Asp731Tyr (NM_001318831.2, NM_001406680.1, NM_001406682.1 and 6 more transcripts); c.2824G>T, p.Asp942Tyr (NM_001318832.2); c.2881G>T, p.Asp961Tyr (NM_001406667.1, NM_001406668.1); c.2779G>T, p.Asp927Tyr (NM_001406671.1, NM_001406673.1); c.2734G>T, p.Asp912Tyr (NM_001406677.1); and 3 more; short protein forms D397Y, D483Y, D731Y, D777Y, D882Y, D894Y, D912Y, D927Y.
Identifiers: ClinVar variation 4802868 (VCV004802868.2).
Genomic context (GRCh38, chr16:2,076,539, plus strand): 5'-TCACTCTGCCAGGGCCTGCGGTCCAATGTCCTCTTGTCTTTTGATGACACCCCCGAGAAG[G>T]ACAGCTTCAGGGCCCGGAGTACTAGTCTCAACGAGAGACCCAAGAGGTACGGCCTGCGGG-3'
Protein context (NP_000539.2, residues 921-941): LLSFDDTPEK[Asp931Tyr]SFRARSTSLN